The following is an entry in ClinVar:

NM_004974.4(KCNA2):c.488G>A (p.Arg163Lys)

Gene: KCNA2 (potassium voltage-gated channel subfamily A member 2; minus strand). Cytogenetic location: 1p13.3.
Variant type: single nucleotide variant.
Coding change: c.488G>A on transcript NM_004974.4 (MANE Select); coding-DNA position 488, G replaced by A.
Protein change: p.Arg163Lys; replaces arginine 163 with lysine.
Molecular consequence: missense variant.
Genome position (GRCh38, 1-based): chr1:110,604,295, C>T on the plus strand (G>A on the coding strand, the complement: KCNA2 is on the minus strand). VCF-style: chr1-110604295-C-T. GRCh37 (hg19) VCF-style: chr1-111146917-C-T.
Other names: c.488G>A, p.Arg163Lys (NM_001204269.2); short protein forms R163K.
Identifiers: ClinVar variation 2751466 (VCV002751466.3), dbSNP rs2524621096, ClinGen allele CA341605184.
Genomic context (GRCh38, chr1:110,604,295, plus strand): 5'-TCCAGACAGAAGCTGACAATTGAGATCAGAATCACCATGACAGACACAATAGCTATAATC[C>T]TGGCAGGCCCTGAGCTCTCTGGGTATTCAAAGAGAAGCCACACTTGTCTCTGAAACTCAT-3'
Protein context (NP_004965.1, residues 153-173): FEYPESSGPA[Arg163Lys]IIAIVSVMVI

ClinVar aggregate classification (germline): Uncertain significance (1 of 4 stars; one submission).

Conditions:
Developmental and epileptic encephalopathy, 32 (DEE32). Also called: Epileptic encephalopathy, early infantile, 32. Identifiers: Orphanet 442835, MedGen C4225350, MONDO:0014607, OMIM 616366.

Submission:

Labcorp Genetics (formerly Invitae), Labcorp
Classification: Uncertain significance for Developmental and epileptic encephalopathy, 32. Last evaluated: 2023-08-10. Review status: criteria provided, single submitter. Criteria: Invitae Variant Classification Sherloc (09022015). Collection method: clinical testing. Allele origin: germline.
Comment: This variant has not been reported in the literature in individuals affected with KCNA2-related conditions. This sequence change replaces arginine, which is basic and polar, with lysine, which is basic and polar, at codon 163 of the KCNA2 protein (p.Arg163Lys). This variant is not present in population databases (gnomAD no frequency). Advanced modeling of protein sequence and biophysical properties (such as structural, functional, and spatial information, amino acid conservation, physicochemical variation, residue mobility, and thermodynamic stability) performed at Invitae indicates that this missense variant is not expected to disrupt KCNA2 protein function. In summary, the available evidence is currently insufficient to determine the role of this variant in disease. Therefore, it has been classified as a Variant of Uncertain Significance.